The following is an entry in ClinVar:

NM_001365536.1(SCN9A):c.5221G>C (p.Val1741Leu)

Genes: SCN1A-AS1 (SCN1A and SCN9A antisense RNA 1; plus strand), SCN9A (sodium voltage-gated channel alpha subunit 9; minus strand). Cytogenetic location: 2q24.3.
Variant type: single nucleotide variant.
Coding change: c.5221G>C on transcript NM_001365536.1 (MANE Select); coding-DNA position 5221, G replaced by C.
Protein change: p.Val1741Leu; replaces valine 1741 with leucine.
Molecular consequence: missense variant.
Genome position (GRCh38, 1-based): chr2:166,199,418, C>G on the plus strand (G>C on the coding strand, the complement: SCN9A is on the minus strand). VCF-style: chr2-166199418-C-G. GRCh37 (hg19) VCF-style: chr2-167055928-C-G.
Other names: c.5188G>C, p.Val1730Leu (NM_002977.4); short protein forms V1730L, V1741L.
Identifiers: ClinVar variation 3753461 (VCV003753461.2).

ClinVar aggregate classification (germline): Uncertain significance (1 of 4 stars; one submission).

Conditions:
Neuropathy, hereditary sensory and autonomic, type 2A (HSAN2A). Also called: ACROOSTEOLYSIS, GIACCAI TYPE; ACROOSTEOLYSIS, NEUROGENIC; WNK1-Related HSAN2 (HSAN2A); MORVAN DISEASE; NEUROPATHY, CONGENITAL SENSORY; NEUROPATHY, HEREDITARY SENSORY RADICULAR, AUTOSOMAL RECESSIVE. Identifiers: Orphanet 970, MedGen C2752089, MONDO:0024309, OMIM 201300.
Generalized epilepsy with febrile seizures plus, type 7 (GEFSP7). Also called: GEFS+, TYPE 7. Identifiers: Orphanet 36387, MedGen C2751778, MONDO:0013470, OMIM 613863.

gnomAD v4.1: 1 of 1,614,170 alleles (0.000062%); highest among the groups gnomAD compares: South Asian, 0.0011%; no homozygotes.

Submission:

Labcorp Genetics (formerly Invitae), Labcorp
Classification: Uncertain significance for Neuropathy, hereditary sensory and autonomic, type 2A; Generalized epilepsy with febrile seizures plus, type 7. Last evaluated: 2024-06-13. Review status: criteria provided, single submitter. Criteria: Invitae Variant Classification Sherloc (09022015). Collection method: clinical testing. Allele origin: germline.
Comment: This sequence change replaces valine, which is neutral and non-polar, with leucine, which is neutral and non-polar, at codon 1730 of the SCN9A protein (p.Val1730Leu). This variant is not present in population databases (gnomAD no frequency). This variant has not been reported in the literature in individuals affected with SCN9A-related conditions. Advanced modeling of protein sequence and biophysical properties (such as structural, functional, and spatial information, amino acid conservation, physicochemical variation, residue mobility, and thermodynamic stability) performed at Invitae indicates that this missense variant is not expected to disrupt SCN9A protein function with a negative predictive value of 80%. In summary, the available evidence is currently insufficient to determine the role of this variant in disease. Therefore, it has been classified as a Variant of Uncertain Significance.